The following is an entry in ClinVar:

ClinVar aggregate classification (germline): Uncertain significance (1 of 4 stars; one submission).

Conditions:
Pitt-Hopkins-like syndrome 2 (PTHSL2). Identifiers: Orphanet 221150, Orphanet 600663, MedGen C3280479, MONDO:0013690, OMIM 614325.

Allele frequency attached by ClinVar (database versions not stated): gnomAD exomes below 0.00001; gnomAD 0.00001; TOPMed 0.00002.
gnomAD v4.1: 7 of 1,613,958 alleles (0.00043%); highest among the groups gnomAD compares: South Asian, 0.0033%; no homozygotes.

Submission:

Labcorp Genetics (formerly Invitae), Labcorp
Classification: Uncertain significance for Pitt-Hopkins-like syndrome 2. Last evaluated: 2022-02-08. Review status: criteria provided, single submitter. Criteria: Invitae Variant Classification Sherloc (09022015). Collection method: clinical testing. Allele origin: germline.
Comment: This sequence change replaces arginine, which is basic and polar, with glutamine, which is neutral and polar, at codon 1509 of the NRXN1 protein (p.Arg1509Gln). This variant is not present in population databases (gnomAD no frequency). In summary, the available evidence is currently insufficient to determine the role of this variant in disease. Therefore, it has been classified as a Variant of Uncertain Significance. Algorithms developed to predict the effect of missense changes on protein structure and function are either unavailable or do not agree on the potential impact of this missense change (SIFT: "Tolerated"; PolyPhen-2: "Possibly Damaging"; Align-GVGD: "Class C0"). This variant has not been reported in the literature in individuals affected with NRXN1-related conditions.

NM_001330078.2(NRXN1):c.4406G>A (p.Arg1469Gln)

Gene: NRXN1 (neurexin 1; minus strand). Cytogenetic location: 2p16.3.
Variant type: single nucleotide variant.
Coding change: c.4406G>A on transcript NM_001330078.2 (MANE Select); coding-DNA position 4406, G replaced by A.
Protein change: p.Arg1469Gln; replaces arginine 1469 with glutamine.
Molecular consequence: missense variant.
Genome position (GRCh38, 1-based): chr2:49,922,062, C>T on the plus strand (G>A on the coding strand, the complement: NRXN1 is on the minus strand). VCF-style: chr2-49922062-C-T. GRCh37 (hg19) VCF-style: chr2-50149200-C-T.
Other names: c.4526G>A, p.Arg1509Gln (NM_001135659.3); c.311G>A, p.Arg104Gln (NM_001320156.4); c.302G>A, p.Arg101Gln (NM_001320157.4); c.4382G>A, p.Arg1461Gln (NM_001330077.2); c.4373G>A, p.Arg1458Gln (NM_001330082.2); c.4241G>A, p.Arg1414Gln (NM_001330083.2); c.4340G>A, p.Arg1447Gln (NM_001330084.2); c.4379G>A, p.Arg1460Gln (NM_001330085.2); and 12 more; short protein forms R1399Q, R1414Q, R1458Q, R1461Q, R1469Q, R404Q, R101Q, R1439Q.
Identifiers: ClinVar variation 2161056 (VCV002161056.4), dbSNP rs1240177957, ClinGen allele CA346818422.